The following is an entry in ClinVar:

ClinVar aggregate classification (germline): Likely benign (1 of 4 stars; one submission).

Allele frequency attached by ClinVar (database versions not stated): 1000 Genomes Project 0.00020.

Submission:

CeGaT Center for Human Genetics Tuebingen
Classification: Likely benign. Last evaluated: 2025-06-01. Review status: criteria provided, single submitter. Criteria: CeGaT Center For Human Genetics Tuebingen Variant Classification Criteria Version 2. Collection method: clinical testing. Allele origin: germline. Affected: yes. Observed: 2 variant alleles.
Comment: TROAP: BP4, BP7

NM_005480.4(TROAP):c.1635A>T (p.Pro545=)

Gene: TROAP (trophinin associated protein; plus strand). Cytogenetic location: 12q13.12.
Variant type: single nucleotide variant.
Coding change: c.1635A>T on transcript NM_005480.4 (MANE Select); coding-DNA position 1635, A replaced by T.
Protein change: p.Pro545=; no amino-acid change (proline 545 retained).
Molecular consequence: synonymous variant.
Genome position (GRCh38, 1-based): chr12:49,330,480, A>T. VCF-style: chr12-49330480-A-T. GRCh37 (hg19) VCF-style: chr12-49724263-A-T.
Other names: c.1635A>T, p.Pro545= (NM_001410976.1).
Identifiers: ClinVar variation 2642971 (VCV002642971.24), dbSNP rs539610748, ClinGen allele CA236641848.